The following is an entry in ClinVar:

NM_003072.5(SMARCA4):c.4345G>A (p.Glu1449Lys)

Gene: SMARCA4 (SWI/SNF related BAF chromatin remodeling complex subunit ATPase 4; plus strand). Cytogenetic location: 19p13.2.
Variant type: single nucleotide variant.
Coding change: c.4345G>A on transcript NM_003072.5 (MANE Select); coding-DNA position 4345, G replaced by A.
Protein change: p.Glu1449Lys; replaces glutamic acid 1449 with lysine.
Molecular consequence: missense variant. On other transcripts: non-coding transcript variant (1).
Genome position (GRCh38, 1-based): chr19:11,041,481, G>A. VCF-style: chr19-11041481-G-A. GRCh37 (hg19) VCF-style: chr19-11152157-G-A.
Other names: c.4246G>A, p.Glu1416Lys (NM_001374457.1, NM_001128847.4, NM_001128848.2); c.4441G>A, p.Glu1481Lys (NM_001387283.1, NM_001128849.3); c.4345G>A, p.Glu1449Lys (NM_001128844.3); c.4255G>A, p.Glu1419Lys (NM_001128845.2, NM_001128846.2); short protein forms E1481K, E1416K, E1449K, E1419K.
Identifiers: ClinVar variation 576383 (VCV000576383.14), dbSNP rs1568528491, ClinGen allele CA404073934.

ClinVar aggregate classification (germline): Uncertain significance. Review status: criteria provided, multiple submitters, no conflicts (2 of 4 stars). 3 submissions from 3 submitters: Uncertain significance (3). Last evaluated 2025-12-10.

Conditions:
Hereditary cancer-predisposing syndrome. Also called: Tumor predisposition; Hereditary neoplastic syndrome; Hereditary Cancer Syndrome; Neoplastic Syndromes, Hereditary. Identifiers: Orphanet 140162, MedGen C0027672, MeSH D009386, MONDO:0015356.
Intellectual disability, autosomal dominant 16 (CSS4). Also called: COFFIN-SIRIS SYNDROME 4. Identifiers: Orphanet 1465, MedGen C3553249, MONDO:0013821, OMIM 614609.
Rhabdoid tumor predisposition syndrome 2 (RTPS2). Identifiers: Orphanet 231108, Orphanet 69077, MedGen C2750074, MONDO:0013224, OMIM 613325.

Allele frequency attached by ClinVar (database versions not stated): gnomAD below 0.00001 and 0.00001; gnomAD exomes below 0.00001; TOPMed 0.00001.
gnomAD v4.1: 7 of 1,613,706 alleles (0.00043%); highest among the groups gnomAD compares: South Asian, 0.0011%; no homozygotes.

Submissions (3):

Labcorp Genetics (formerly Invitae), Labcorp
Classification: Uncertain significance for Rhabdoid tumor predisposition syndrome 2. Last evaluated: 2025-12-10. Review status: criteria provided, single submitter. Criteria: Invitae Variant Classification Sherloc (09022015). Collection method: clinical testing. Allele origin: germline.
Comment: This sequence change replaces glutamic acid, which is acidic and polar, with lysine, which is basic and polar, at codon 1481 of the SMARCA4 protein (p.Glu1481Lys). This variant is not present in population databases (gnomAD no frequency). This variant has not been reported in the literature in individuals affected with SMARCA4-related conditions. ClinVar contains an entry for this variant (Variation ID: 576383). Invitae Evidence Modeling of protein sequence and biophysical properties (such as structural, functional, and spatial information, amino acid conservation, physicochemical variation, residue mobility, and thermodynamic stability) has been performed for this missense variant. However, the output from this modeling did not meet the statistical confidence thresholds required to predict the impact of this variant on SMARCA4 protein function. In summary, the available evidence is currently insufficient to determine the role of this variant in disease. Therefore, it has been classified as a Variant of Uncertain Significance.

Ambry Genetics
Classification: Uncertain significance for Hereditary cancer-predisposing syndrome. Last evaluated: 2025-09-22. Review status: criteria provided, single submitter. Criteria: Ambry Variant Classification Scheme 2023. Collection method: clinical testing. Allele origin: germline.
Comment: The p.E1481K variant (also known as c.4441G>A), located in coding exon 30 of the SMARCA4 gene, results from a G to A substitution at nucleotide position 4441. The glutamic acid at codon 1481 is replaced by lysine, an amino acid with similar properties. This amino acid position is highly conserved in available vertebrate species. In addition, this alteration is predicted to be tolerated by in silico analysis. Since supporting evidence is limited at this time, the clinical significance of this alteration remains unclear.

Genome-Nilou Lab
Classification: Uncertain significance for Intellectual disability, autosomal dominant 16. Last evaluated: 2021-07-15. Review status: criteria provided, single submitter. Criteria: ACMG Guidelines, 2015. Collection method: clinical testing. Allele origin: germline. Affected: no.